The following is an entry in ClinVar:

ClinVar aggregate classification (germline): Uncertain significance (1 of 4 stars; one submission).

Conditions:
Long QT syndrome (LQTS). Identifiers: MedGen C0023976, MeSH D008133, MONDO:0002442. Disease mechanism: loss of function. Inheritance: Various modes of inheritance.

Allele frequency attached by ClinVar (database versions not stated): gnomAD exomes below 0.00001.
gnomAD v4.1: 1 of 1,549,758 alleles (0.000065%); highest among the groups gnomAD compares: Admixed American, 0.0017%; no homozygotes.

Submission:

Labcorp Genetics (formerly Invitae), Labcorp
Classification: Uncertain significance for Long QT syndrome. Last evaluated: 2023-07-26. Review status: criteria provided, single submitter. Criteria: Invitae Variant Classification Sherloc (09022015). Collection method: clinical testing. Allele origin: germline.
Comment: In summary, the available evidence is currently insufficient to determine the role of this variant in disease. Therefore, it has been classified as a Variant of Uncertain Significance. Variants that disrupt the consensus splice site are a relatively common cause of aberrant splicing (PMID: 17576681, 9536098). Algorithms developed to predict the effect of sequence changes on RNA splicing suggest that this variant may create or strengthen a splice site. ClinVar contains an entry for this variant (Variation ID: 1968134). This variant has not been reported in the literature in individuals affected with CAV3-related conditions. This variant is present in population databases (no rsID available, gnomAD 0.003%). This sequence change falls in intron 1 of the CAV3 gene. It does not directly change the encoded amino acid sequence of the CAV3 protein. It affects a nucleotide within the consensus splice site.

Literature cited by the submitters: PubMed 17576681; PubMed 9536098.

NM_033337.3(CAV3):c.114+3A>G

Gene: CAV3 (caveolin 3; plus strand). Cytogenetic location: 3p25.3.
Variant type: single nucleotide variant.
Coding change: c.114+3A>G on transcript NM_033337.3 (MANE Select); 3 bases into the intron after coding-DNA position 114, A replaced by G.
Molecular consequence: intron variant.
Genome position (GRCh38, 1-based): chr3:8,733,993, A>G. VCF-style: chr3-8733993-A-G. GRCh37 (hg19) VCF-style: chr3-8775679-A-G.
Other names: c.114+3A>G (NM_001234.5).
Identifiers: ClinVar variation 1968134 (VCV001968134.5), dbSNP rs1308236465, ClinGen allele CA540845448.
Genomic context (GRCh38, chr3:8,733,993, plus strand): 5'-CAAGGAGATTGACCTGGTGAACCGAGACCCCAAGAACATTAACGAGGACATAGTCAAGGT[A>G]GGCTCTGCAGGCCTGCCTCGGCGGGCGGAGAGTGTCAGGTTTGCGAGACGTGGGCGCTTG-3'